The following is an entry in ClinVar:

ClinVar aggregate classification (germline): Uncertain significance (1 of 4 stars; one submission).

gnomAD v4.1: 1 of 1,613,874 alleles (0.000062%); highest among the groups gnomAD compares: African/African-American, 0.0013%; no homozygotes.

Submission:

GeneDx
Classification: Uncertain significance. Last evaluated: 2025-02-05. Review status: criteria provided, single submitter. Criteria: GeneDx Variant Classification Process June 2021. Collection method: clinical testing. Allele origin: germline. Affected: yes.
Comment: Not observed at significant frequency in large population cohorts (gnomAD); In silico analysis indicates that this missense variant does not alter protein structure/function; Has not been previously published as pathogenic or benign to our knowledge

NM_020987.5(ANK3):c.6740C>A (p.Thr2247Asn)

Gene: ANK3 (ankyrin 3; minus strand). Cytogenetic location: 10q21.2.
Variant type: single nucleotide variant.
Coding change: c.6740C>A on transcript NM_020987.5 (MANE Select); coding-DNA position 6740, C replaced by A.
Protein change: p.Thr2247Asn; replaces threonine 2247 with asparagine.
Molecular consequence: missense variant. On other transcripts: intron variant (4).
Genome position (GRCh38, 1-based): chr10:60,074,141, G>T on the plus strand (C>A on the coding strand, the complement: ANK3 is on the minus strand). VCF-style: chr10-60074141-G-T. GRCh37 (hg19) VCF-style: chr10-61833899-G-T.
Other names: c.4388-6132C>A (NM_001204403.2); c.4409-6132C>A (NM_001204404.2); c.4406-6132C>A (NM_001320874.2); c.1808-6132C>A (NM_001149.4); short protein forms T2247N.
Identifiers: ClinVar variation 4074487 (VCV004074487.1).